The following is an entry in ClinVar:

ClinVar aggregate classification (germline): Uncertain significance. Review status: criteria provided, multiple submitters, no conflicts (2 of 4 stars). 2 submissions from 2 submitters: Uncertain significance (2). Last evaluated 2024-12-30.

Conditions:
Short stature due to growth hormone secretagogue receptor deficiency (GHDP). Also called: Short stature due to GHSR deficiency. Identifiers: Orphanet 314811, MedGen C5887324, MONDO:0014403, OMIM 615925.

Submissions (2):

Labcorp Genetics (formerly Invitae), Labcorp
Classification: Uncertain significance. Last evaluated: 2024-12-30. Review status: criteria provided, single submitter. Criteria: Invitae Variant Classification Sherloc (09022015). Collection method: clinical testing. Allele origin: germline.
Comment: This sequence change replaces arginine, which is basic and polar, with proline, which is neutral and non-polar, at codon 206 of the GHSR protein (p.Arg206Pro). This variant is not present in population databases (gnomAD no frequency). This variant has not been reported in the literature in individuals affected with GHSR-related conditions. ClinVar contains an entry for this variant (Variation ID: 983070). Invitae Evidence Modeling of protein sequence and biophysical properties (such as structural, functional, and spatial information, amino acid conservation, physicochemical variation, residue mobility, and thermodynamic stability) indicates that this missense variant is not expected to disrupt GHSR protein function with a negative predictive value of 80%. In summary, the available evidence is currently insufficient to determine the role of this variant in disease. Therefore, it has been classified as a Variant of Uncertain Significance.

Institute of Human Genetics, University of Leipzig Medical Center
Classification: Uncertain significance for Short stature due to growth hormone secretagogue receptor deficiency. Last evaluated: 2019-01-01. Review status: criteria provided, single submitter. Criteria: ACMG Guidelines, 2015. Collection method: clinical testing. Allele origin: unknown. Affected: yes.

NM_198407.2(GHSR):c.617G>C (p.Arg206Pro)

Gene: GHSR (growth hormone secretagogue receptor; minus strand). Cytogenetic location: 3q26.31.
Variant type: single nucleotide variant.
Coding change: c.617G>C on transcript NM_198407.2 (MANE Select); coding-DNA position 617, G replaced by C.
Protein change: p.Arg206Pro; replaces arginine 206 with proline.
Molecular consequence: missense variant.
Genome position (GRCh38, 1-based): chr3:172,447,797, C>G on the plus strand (G>C on the coding strand, the complement: GHSR is on the minus strand). VCF-style: chr3-172447797-C-G. GRCh37 (hg19) VCF-style: chr3-172165587-C-G.
Other names: c.617G>C, p.Arg206Pro (NM_004122.2); short protein forms R206P.
Identifiers: ClinVar variation 983070 (VCV000983070.3), dbSNP rs777880261, ClinGen allele CA355514069.
Genomic context (GRCh38, chr3:172,447,797, plus strand): 5'-AAGACAGGAAGGAAGAAGAAGATGCTGGACACCCACACCATGACCGTGAGCAGTCCAGAG[C>G]GCACCGCAAACTCGGTGGGGCGGCACTCGTTGGTGTCCCAAGGGTCGGTGCCGTTCTCGT-3'
Protein context (NP_940799.1, residues 196-216): NECRPTEFAV[Arg206Pro]SGLLTVMVWV